The following is an entry in ClinVar:

NM_001083962.2(TCF4):c.350A>C (p.Asn117Thr)

Gene: TCF4 (transcription factor 4; minus strand). Cytogenetic location: 18q21.2.
Variant type: single nucleotide variant.
Coding change: c.350A>C on transcript NM_001083962.2 (MANE Select); coding-DNA position 350, A replaced by C.
Protein change: p.Asn117Thr; replaces asparagine 117 with threonine.
Molecular consequence: missense variant. On other transcripts: 5 prime UTR variant (3).
Genome position (GRCh38, 1-based): chr18:55,403,473, T>G on the plus strand (A>C on the coding strand, the complement: TCF4 is on the minus strand). VCF-style: chr18-55403473-T-G. GRCh37 (hg19) VCF-style: chr18-53070704-T-G.
Other names: c.278A>C, p.Asn93Thr (NM_001369585.1, NM_001369586.1, NM_001243227.2 and 15 more transcripts); c.350A>C, p.Asn117Thr (NM_003199.3, NM_001243228.2, NM_001330604.3 and 8 more transcripts); c.656A>C, p.Asn219Thr (NM_001243226.3); c.344A>C, p.Asn115Thr (NM_001243230.2); c.224A>C, p.Asn75Thr (NM_001243231.2, NM_001348211.2); c.140A>C, p.Asn47Thr (NM_001243232.1, NM_001306208.1); c.-41A>C (NM_001243233.2, NM_001348213.2); c.-38A>C (NM_001348212.2); short protein forms N115T, N117T, N219T, N47T, N75T, N93T.
Identifiers: ClinVar variation 1010831 (VCV001010831.8), dbSNP rs2093935698, ClinGen allele CA402702839.

ClinVar aggregate classification (germline): Uncertain significance (1 of 4 stars; one submission).

Conditions:
Pitt-Hopkins syndrome (PTHS). Also called: ENCEPHALOPATHY, SEVERE EPILEPTIC, WITH AUTONOMIC DYSFUNCTION; MENTAL RETARDATION, SYNDROMAL, WITH INTERMITTENT HYPERVENTILATION. Identifiers: Orphanet 2896, MedGen C1970431, MONDO:0012589, OMIM 610954.

Submission:

Labcorp Genetics (formerly Invitae), Labcorp
Classification: Uncertain significance for Pitt-Hopkins syndrome. Last evaluated: 2020-07-10. Review status: criteria provided, single submitter. Criteria: Invitae Variant Classification Sherloc (09022015). Collection method: clinical testing. Allele origin: germline.
Comment: In summary, the available evidence is currently insufficient to determine the role of this variant in disease. Therefore, it has been classified as a Variant of Uncertain Significance. Algorithms developed to predict the effect of missense changes on protein structure and function (SIFT, PolyPhen-2, Align-GVGD) all suggest that this variant is likely to be tolerated, but these predictions have not been confirmed by published functional studies and their clinical significance is uncertain. This variant has not been reported in the literature in individuals with TCF4-related conditions. This variant is not present in population databases (ExAC no frequency). This sequence change replaces asparagine with threonine at codon 117 of the TCF4 protein (p.Asn117Thr). The asparagine residue is moderately conserved and there is a small physicochemical difference between asparagine and threonine.